The following is an entry in ClinVar:

NM_000540.3(RYR1):c.5674A>G (p.Lys1892Glu)

Gene: RYR1 (ryanodine receptor 1; plus strand). Cytogenetic location: 19q13.2.
Variant type: single nucleotide variant.
Coding change: c.5674A>G on transcript NM_000540.3 (MANE Select); coding-DNA position 5674, A replaced by G.
Protein change: p.Lys1892Glu; replaces lysine 1892 with glutamic acid.
Molecular consequence: missense variant.
Genome position (GRCh38, 1-based): chr19:38,489,303, A>G. VCF-style: chr19-38489303-A-G. GRCh37 (hg19) VCF-style: chr19-38979943-A-G.
Other names: c.5674A>G, p.Lys1892Glu (NM_001042723.2); short protein forms K1892E.
Identifiers: ClinVar variation 3730376 (VCV003730376.4).

ClinVar aggregate classification (germline): Uncertain significance. Review status: criteria provided, multiple submitters, no conflicts (2 of 4 stars). 3 submissions from 3 submitters: Uncertain significance (3). Last evaluated 2025-08-30.

Conditions:
Malignant hyperthermia, susceptibility to, 1 (MHS1). Also called: Anesthesia related hyperthermia; Malignant hyperpyrexia; Fulminating hyperpyrexia; Pharmacogenic myopathy; Malignant hyperthermia suceptibility 1; RYR1-Related Malignant Hyperthermia Susceptibility. Identifiers: Orphanet 423, MedGen C2930980, MONDO:0007783, OMIM 145600.
RYR1-related disorder. Also called: RYR1-related condition; RYR1-related disorders. Identifiers: MedGen CN239331.
Inborn genetic diseases. Identifiers: MedGen C0950123, MeSH D030342.

gnomAD v4.1: 28 of 1,601,734 alleles (0.0017%); highest among the groups gnomAD compares: African/African-American, 0.016%; no homozygotes.

Submissions (3):

Ambry Genetics
Classification: Uncertain significance for Inborn genetic diseases. Last evaluated: 2025-08-30. Review status: criteria provided, single submitter. Criteria: Ambry Variant Classification Scheme 2023. Collection method: clinical testing. Allele origin: germline.

Labcorp Genetics (formerly Invitae), Labcorp
Classification: Uncertain significance for RYR1-related disorder. Last evaluated: 2025-07-24. Review status: criteria provided, single submitter. Criteria: Invitae Variant Classification Sherloc (09022015). Collection method: clinical testing. Allele origin: germline.
Comment: This sequence change replaces lysine, which is basic and polar, with glutamic acid, which is acidic and polar, at codon 1892 of the RYR1 protein (p.Lys1892Glu). The frequency data for this variant in the population databases is considered unreliable, as metrics indicate poor data quality at this position in the gnomAD database. This variant has not been reported in the literature in individuals affected with RYR1-related conditions. ClinVar contains an entry for this variant (Variation ID: 3730376). Invitae Evidence Modeling of protein sequence and biophysical properties (such as structural, functional, and spatial information, amino acid conservation, physicochemical variation, residue mobility, and thermodynamic stability) indicates that this missense variant is not expected to disrupt RYR1 protein function with a negative predictive value of 95%. In summary, the available evidence is currently insufficient to determine the role of this variant in disease. Therefore, it has been classified as a Variant of Uncertain Significance.

Color Diagnostics, LLC DBA Color Health
Classification: Uncertain significance for Malignant hyperthermia, susceptibility to, 1. Last evaluated: 2024-02-20. Review status: criteria provided, single submitter. Criteria: ACMG Guidelines, 2015. Collection method: clinical testing. Allele origin: germline.
Comment: This missense variant replaces lysine with glutamic acid at codon 1892 of the RYR1 protein. Computational prediction suggests that this variant may not impact protein structure and function (internally defined REVEL score threshold <= 0.5, PMID: 27666373). To our knowledge, functional studies have not been reported for this variant. This variant has not been reported in individuals affected with RYR1-related disorders in the literature. This variant has not been identified in the general population by the Genome Aggregation Database (gnomAD). The available evidence is insufficient to determine the role of this variant in disease conclusively. Therefore, this variant is classified as a Variant of Uncertain Significance.